The following is an entry in ClinVar:

NM_001040108.2(MLH3):c.408T>C (p.Asp136=)

Gene: MLH3 (mutL homolog 3; minus strand). Cytogenetic location: 14q24.3.
Variant type: single nucleotide variant.
Coding change: c.408T>C on transcript NM_001040108.2 (MANE Select); coding-DNA position 408, T replaced by C.
Protein change: p.Asp136=; no amino-acid change (aspartic acid 136 retained).
Molecular consequence: synonymous variant.
Genome position (GRCh38, 1-based): chr14:75,049,248, A>G on the plus strand (T>C on the coding strand, the complement: MLH3 is on the minus strand). VCF-style: chr14-75049248-A-G. GRCh37 (hg19) VCF-style: chr14-75515951-A-G.
Other names: c.408T>C, p.Asp136= (NM_014381.3).
Identifiers: ClinVar variation 221150 (VCV000221150.55), dbSNP rs61755655, ClinGen allele CA350507.

ClinVar aggregate classification (germline): Benign/Likely benign. Review status: criteria provided, multiple submitters, no conflicts (2 of 4 stars). 9 submissions from 9 submitters: Benign (4); Likely benign (4). 1 of the submissions does not count toward it. Last evaluated 2026-04-28.

Conditions:
Colorectal cancer. Also called: Malignant Colorectal Neoplasm; Colorectal cancer, somatic. Identifiers: MedGen C0346629, MONDO:0005575, OMIM 114500.
Colorectal cancer, hereditary nonpolyposis, type 7. Identifiers: Orphanet 144, MedGen C1858380, MONDO:0013725, OMIM 614385.
Endometrial carcinoma. Also called: Endometrial carcinoma, somatic. Identifiers: MedGen C0476089, MONDO:0002447, OMIM 608089, HP:0012114.

Allele frequency attached by ClinVar (database versions not stated): 1000 Genomes Project 30x 0.00187; 1000 Genomes Project 0.00200; ExAC 0.00471; gnomAD exomes 0.00506 and 0.00725; TOPMed 0.00530; gnomAD 0.00536 and 0.00552; ESP Exome Variant Server 0.00600.
gnomAD v4.1: 11,320 of 1,614,242 alleles (0.7%); highest among the groups gnomAD compares: Non-Finnish European, 0.87%; 36 homozygotes.

Submissions (9):

Myriad Genetics, Inc.
Classification: Benign for Colorectal cancer, hereditary nonpolyposis, type 7. Last evaluated: 2026-04-28. Review status: criteria provided, single submitter. Criteria: Myriad Autosomal Dominant, Autosomal Recessive and X-Linked Classification Criteria (2023). Collection method: clinical testing. Allele origin: unknown.
Comment: This variant is considered benign. This variant is a silent/synonymous amino acid change and it is not expected to impact splicing.

Labcorp Genetics (formerly Invitae), Labcorp
Classification: Benign for Colorectal cancer, hereditary nonpolyposis, type 7. Last evaluated: 2026-02-03. Review status: criteria provided, single submitter. Criteria: Invitae Variant Classification Sherloc (09022015). Collection method: clinical testing. Allele origin: germline.

ARUP Laboratories, Molecular Genetics and Genomics, ARUP Laboratories
Classification: Benign. Last evaluated: 2025-06-10. Review status: criteria provided, single submitter. Criteria: ARUP Molecular Germline Variant Investigation Process 2024. Collection method: clinical testing. Allele origin: germline.

Center for Genomic Medicine, Rigshospitalet, Copenhagen University Hospital
Classification: Likely benign. Last evaluated: 2025-03-04. Review status: criteria provided, single submitter. Criteria: ACMG Guidelines, 2015. Collection method: clinical testing. Allele origin: germline.

CeGaT Center for Human Genetics Tuebingen
Classification: Likely benign. Last evaluated: 2023-12-01. Review status: criteria provided, single submitter. Criteria: CeGaT Center For Human Genetics Tuebingen Variant Classification Criteria Version 2. Collection method: clinical testing. Allele origin: germline. Affected: yes. Observed: 5 variant alleles.
Comment: MLH3: BP4, BP7, BS2

Department of Pathology and Laboratory Medicine, Sinai Health System
Classification: Benign for Colorectal cancer; Endometrial carcinoma; Colorectal cancer, hereditary nonpolyposis, type 7. Last evaluated: 2021-09-22. Review status: criteria provided, single submitter. Criteria: ACMG Guidelines, 2015. Collection method: clinical testing. Allele origin: germline. Affected: yes.

Ambry Genetics
Classification: Likely benign. Last evaluated: 2020-07-31. Review status: criteria provided, single submitter. Criteria: Ambry Variant Classification Scheme 2023. Collection method: clinical testing. Allele origin: germline.

Illumina Laboratory Services, Illumina
Classification: Likely benign for Colorectal cancer, hereditary nonpolyposis, type 7. Last evaluated: 2018-01-13. Review status: criteria provided, single submitter. Criteria: ICSL Variant Classification Criteria 13 December 2019. Collection method: clinical testing. Allele origin: germline.
Comment: This variant was observed in the ICSL laboratory as part of a predisposition screen in an ostensibly healthy population. It had not been previously curated by ICSL or reported in the Human Gene Mutation Database (HGMD: prior to June 1st, 2018), and was therefore a candidate for classification through an automated scoring system. Utilizing variant allele frequency, disease prevalence and penetrance estimates, and inheritance mode, an automated score was calculated to assess if this variant is too frequent to cause the disease. Based on the score and internal cut-off values, a variant classified as likely benign is not then subjected to further curation. The score for this variant resulted in a classification of likely benign for this disease.

Mayo Clinic Laboratories, Mayo Clinic
Classification: Likely benign. Review status: no assertion criteria provided. Collection method: clinical testing. Allele origin: unknown. Not counted in ClinVar's aggregate classification.